The following is an entry in ClinVar:

ClinVar aggregate classification (germline): Uncertain significance (1 of 4 stars; one submission).

Conditions:
Hereditary cancer-predisposing syndrome. Also called: Neoplastic Syndromes, Hereditary; Tumor predisposition; Hereditary Cancer Syndrome; Hereditary neoplastic syndrome. Identifiers: Orphanet 140162, MedGen C0027672, MeSH D009386, MONDO:0015356.

Submission:

Ambry Genetics
Classification: Uncertain significance for Hereditary cancer-predisposing syndrome. Last evaluated: 2025-05-31. Review status: criteria provided, single submitter. Criteria: Ambry Variant Classification Scheme 2023. Collection method: clinical testing. Allele origin: germline.
Comment: The p.S415C variant (also known as c.1243A>T), located in coding exon 4 of the PALB2 gene, results from an A to T substitution at nucleotide position 1243. The serine at codon 415 is replaced by cysteine, an amino acid with dissimilar properties. This amino acid position is poorly conserved in available vertebrate species. In addition, this alteration is predicted to be tolerated by in silico analysis. Since supporting evidence is limited at this time, the clinical significance of this alteration remains unclear.

NM_024675.4(PALB2):c.1243A>T (p.Ser415Cys)

Gene: PALB2 (partner and localizer of BRCA2; minus strand). Cytogenetic location: 16p12.2.
Variant type: single nucleotide variant.
Coding change: c.1243A>T on transcript NM_024675.4 (MANE Select); coding-DNA position 1243, A replaced by T.
Protein change: p.Ser415Cys; replaces serine 415 with cysteine.
Molecular consequence: missense variant.
Genome position (GRCh38, 1-based): chr16:23,635,303, T>A on the plus strand (A>T on the coding strand, the complement: PALB2 is on the minus strand). VCF-style: chr16-23635303-T-A. GRCh37 (hg19) VCF-style: chr16-23646624-T-A.
Other names: short protein forms S415C.
Identifiers: ClinVar variation 484234 (VCV000484234.6), dbSNP rs1555461376, ClinGen allele CA395132932.